The following is an entry in ClinVar:

ClinVar aggregate classification (germline): Likely pathogenic (1 of 4 stars; one submission).

Conditions:
Deficiency of guanidinoacetate methyltransferase (CCDS2). Also called: CEREBRAL CREATINE DEFICIENCY SYNDROME 2; Guanidinoacetate Methyltransferase (GAMT) Deficiency; GAMT DEFICIENCY. Identifiers: Orphanet 382, MedGen C0574080, MONDO:0012999, OMIM 612736.

Submission:

Natera, Inc.
Classification: Likely pathogenic for Guanidinoacetate methyltransferase deficiency. Last evaluated: 2026-01-14. Review status: criteria provided, single submitter. Criteria: Natera Variant Classification Schema (03/2026). Collection method: clinical testing. Allele origin: germline.
Comment: The c.187dupC variant in GAMT is a frameshift variant predicted to shift the reading frame beginning at codon 63 and leads to a stop codon 22 codons downstream. This variant is expected to result in nonsense mediated decay, truncation, or a dysfunctional protein product. This variant is rare in the general population with a frequency below the threshold expected for the associated phenotype(s). Given the available evidence, this variant is classified as Likely Pathogenic.

NM_000156.6(GAMT):c.187dup (p.Arg63fs)

Gene: GAMT (guanidinoacetate N-methyltransferase; minus strand). Cytogenetic location: 19p13.3.
Variant type: Duplication.
Coding change: c.187dup on transcript NM_000156.6 (MANE Select); coding-DNA position 187, one base duplicated (C; older notation c.187dupC).
Protein change: p.Arg63fs; shifts the reading frame from arginine 63.
Molecular consequence: frameshift variant.
Genome position (GRCh38, 1-based): chr19:1,399,933, G duplicated on the plus strand (C on the coding strand, the reverse complement: GAMT is on the minus strand); the first of 2 consecutive G bases (chr19:1,399,933-1,399,934); duplicating either gives the same sequence. VCF-style (leftmost placement, unchanged base first): chr19-1399932-C-CG. GRCh37 (hg19) VCF-style: chr19-1399931-C-CG.
Other names: c.187dup, p.Arg63fs (NM_138924.3); short protein forms R63fs.
Identifiers: ClinVar variation 4817653 (VCV004817653.1).